The following is an entry in ClinVar:

NM_005506.4(SCARB2):c.55_75del (p.Thr19_Val25del)

Gene: SCARB2 (scavenger receptor class B member 2; minus strand). Cytogenetic location: 4q21.1.
Variant type: Deletion.
Coding change: c.55_75del on transcript NM_005506.4 (MANE Select); coding-DNA positions 55 to 75, 21 bases deleted (ACCAGCGTCACGCTGCTGGTG).
Protein change: p.Thr19_Val25del.
Molecular consequence: inframe deletion.
Genome position (GRCh38, 1-based): chr4:76,213,469-76,213,489, CACCAGCAGCGTGACGCTGGT deleted on the plus strand (ACCAGCGTCACGCTGCTGGTG on the coding strand, the reverse complement: SCARB2 is on the minus strand); deleting any 21 consecutive bases within chr4:76,213,469-76,213,498 gives the same sequence; the c. name uses the placement nearest the transcript's 3' end. VCF-style (leftmost placement, unchanged base first): chr4-76213468-CCACCAGCAGCGTGACGCTGGT-C. GRCh37 (hg19) VCF-style: chr4-77134621-CCACCAGCAGCGTGACGCTGGT-C.
Other names: c.55_75del, p.Thr19_Val25del (NM_001204255.2).
Identifiers: ClinVar variation 1045944 (VCV001045944.9), dbSNP rs1401788267, ClinGen allele CA1469510657.
Genomic context (GRCh38, chr4:76,213,468, plus strand): 5'-ACAGCCCGCCCCGCCTCACCTTCTCGATACTCTGGTCTACAGCCTTCTGGAAGACCCGGG[CCACCAGCAGCGTGACGCTGGT>C]CACCAGCAGGAGCAGGGACAACGTCCCCGCCGTGTAGAAGCAGCATCGGCCCATTCTGTG-3'

ClinVar aggregate classification (germline): Uncertain significance (1 of 4 stars; one submission).

Conditions:
Progressive myoclonic epilepsy. Also called: Familial progressive myoclonic epilepsy; Progressive myoclonus epilepsy; Myoclonic Epilepsies, Progressive; Myoclonus epilepsy. Identifiers: Orphanet 308, Orphanet 98261, MedGen C0751778, MONDO:0020074.

Submission:

Labcorp Genetics (formerly Invitae), Labcorp
Classification: Uncertain significance for Progressive myoclonic epilepsy. Last evaluated: 2020-07-21. Review status: criteria provided, single submitter. Criteria: Invitae Variant Classification Sherloc (09022015). Collection method: clinical testing. Allele origin: germline.
Comment: This variant, c.55_75del, results in the deletion of 7 amino acid(s) of the SCARB2 protein (p.Thr19_Val25del), but otherwise preserves the integrity of the reading frame. This variant is not present in population databases (ExAC no frequency). This variant has not been reported in the literature in individuals with SCARB2-related conditions. Experimental studies and prediction algorithms are not available or were not evaluated, and the functional significance of this variant is currently unknown. In summary, the available evidence is currently insufficient to determine the role of this variant in disease. Therefore, it has been classified as a Variant of Uncertain Significance.